The following is an entry in ClinVar:

NM_005228.5(EGFR):c.818C>G (p.Thr273Ser)

Gene: EGFR (epidermal growth factor receptor; plus strand). Cytogenetic location: 7p11.2.
Variant type: single nucleotide variant.
Coding change: c.818C>G on transcript NM_005228.5 (MANE Select); coding-DNA position 818, C replaced by G.
Protein change: p.Thr273Ser; replaces threonine 273 with serine.
Molecular consequence: missense variant. On other transcripts: intron variant (1).
Genome position (GRCh38, 1-based): chr7:55,154,081, C>G. VCF-style: chr7-55154081-C-G. GRCh37 (hg19) VCF-style: chr7-55221774-C-G.
Other names: c.683C>G, p.Thr228Ser (NM_001346897.2, NM_001346899.2); c.818C>G, p.Thr273Ser (NM_001346898.2, NM_201282.2, NM_201283.2 and 1 more transcripts); c.659C>G, p.Thr220Ser (NM_001346900.2); c.89-1749C>G (NM_001346941.2); short protein forms T220S, T228S, T273S.
Identifiers: ClinVar variation 933931 (VCV000933931.13), dbSNP rs1785289358, ClinGen allele CA367577739.

ClinVar aggregate classification (germline): Uncertain significance. Review status: criteria provided, multiple submitters, no conflicts (2 of 4 stars). 4 submissions from 4 submitters: Uncertain significance (4). Last evaluated 2026-01-19.

Conditions:
EGFR-related lung cancer (EGFR). Identifiers: MedGen CN130014.
Hereditary cancer-predisposing syndrome. Also called: Neoplastic Syndromes, Hereditary; Hereditary Cancer Syndrome; Hereditary neoplastic syndrome; Tumor predisposition. Identifiers: Orphanet 140162, MedGen C0027672, MeSH D009386, MONDO:0015356.
Lung cancer. Also called: Lung cancer, somatic; Malignant tumor of lung. Identifiers: MedGen C0242379, MONDO:0008903, OMIM 211980.
Inflammatory skin and bowel disease, neonatal, 2 (NNCIS). Identifiers: Orphanet 294023, MedGen C4015130, MONDO:0014481, OMIM 616069.

gnomAD v4.1: 4 of 1,614,236 alleles (0.00025%); highest among the groups gnomAD compares: Non-Finnish European, 0.00034%; no homozygotes.

Submissions (4):

Labcorp Genetics (formerly Invitae), Labcorp
Classification: Uncertain significance for EGFR-related lung cancer. Last evaluated: 2026-01-19. Review status: criteria provided, single submitter. Criteria: Invitae Variant Classification Sherloc (09022015). Collection method: clinical testing. Allele origin: germline.
Comment: This sequence change replaces threonine, which is neutral and polar, with serine, which is neutral and polar, at codon 273 of the EGFR protein (p.Thr273Ser). This variant is not present in population databases (gnomAD no frequency). This variant has not been reported in the literature in individuals affected with EGFR-related conditions. ClinVar contains an entry for this variant (Variation ID: 933931). Invitae Evidence Modeling of protein sequence and biophysical properties (such as structural, functional, and spatial information, amino acid conservation, physicochemical variation, residue mobility, and thermodynamic stability) indicates that this missense variant is not expected to disrupt EGFR protein function with a negative predictive value of 80%. In summary, the available evidence is currently insufficient to determine the role of this variant in disease. Therefore, it has been classified as a Variant of Uncertain Significance.

Ambry Genetics
Classification: Uncertain significance for Hereditary cancer-predisposing syndrome. Last evaluated: 2024-12-19. Review status: criteria provided, single submitter. Criteria: Ambry Variant Classification Scheme 2023. Collection method: clinical testing. Allele origin: germline.
Comment: The p.T273S variant (also known as c.818C>G), located in coding exon 7 of the EGFR gene, results from a C to G substitution at nucleotide position 818. The threonine at codon 273 is replaced by serine, an amino acid with similar properties. This amino acid position is not well conserved in available vertebrate species. In addition, this alteration is predicted to be tolerated by in silico analysis. Based on the available evidence, the clinical significance of this variant remains unclear.

Fulgent Genetics
Classification: Uncertain significance for Lung cancer; Inflammatory skin and bowel disease, neonatal, 2. Last evaluated: 2024-06-18. Review status: criteria provided, single submitter. Criteria: ACMG Guidelines, 2015. Collection method: clinical testing. Allele origin: germline.

Sema4
Classification: Uncertain significance for Hereditary cancer-predisposing syndrome. Last evaluated: 2022-02-24. Review status: criteria provided, single submitter. Criteria: Sema4 Curation Guidelines. Collection method: curation. Allele origin: germline.
Comment: The EGFR c.818C>G (p.T273S) variant has not been reported in the literature to our knowledge. This variant is not reported in the population database Genome Aggregation Database (PMID: 32461654) but has been reported in ClinVar (Variation ID: 933931). Functional studies have not been performed, and in silico predictions of the variant's effect on protein function are inconclusive. The evidence is insufficient to meet ACMG/AMP criteria for classifying the variant as benign or pathogenic. Thus, the clinical significance of this variant is currently uncertain.